The following is an entry in ClinVar:

NM_001174147.2(LMX1B):c.761del (p.Ala254fs)

Gene: LMX1B (LIM homeobox transcription factor 1 beta; plus strand). Cytogenetic location: 9q33.3.
Variant type: Deletion.
Coding change: c.761del on transcript NM_001174147.2 (MANE Select); coding-DNA position 761, one base deleted (C; older notation c.761delC).
Protein change: p.Ala254fs; shifts the reading frame from alanine 254.
Molecular consequence: frameshift variant.
Genome position (GRCh38, 1-based): chr9:126,693,543, C deleted. VCF-style (leftmost placement, unchanged base first): chr9-126693542-GC-G. GRCh37 (hg19) VCF-style: chr9-129455821-GC-G.
Other names: c.761del, p.Ala254fs (NM_001174146.2, NM_002316.4); short protein forms A254fs.
Identifiers: ClinVar variation 4992671 (VCV004992671.1).

ClinVar aggregate classification (germline): Likely pathogenic (1 of 4 stars; one submission).

Conditions:
LMX1B-related disorder. Also called: LMX1B-related condition.

Submission:

PreventionGenetics, part of Exact Sciences
Classification: Likely pathogenic for LMX1B-related condition. Last evaluated: 2026-03-23. Review status: criteria provided, single submitter. Criteria: ACMG Guidelines, 2015. Collection method: clinical testing. Allele origin: germline.
Comment: The LMX1B c.761delC variant is predicted to result in a frameshift and premature protein termination (p.Ala254Valfs*21). To our knowledge, this variant has not been reported in the literature or in a large population database (gnomAD), indicating this variant is rare. Frameshift variants in LMX1B are expected to be pathogenic. This variant is interpreted as likely pathogenic.